The following is an entry in ClinVar:

NM_031407.7(HUWE1):c.8263A>C (p.Thr2755Pro)

Gene: HUWE1 (HECT, UBA and WWE domain containing E3 ubiquitin protein ligase 1; minus strand). Cytogenetic location: Xp11.22.
Variant type: single nucleotide variant.
Coding change: c.8263A>C on transcript NM_031407.7 (MANE Select); coding-DNA position 8263, A replaced by C.
Protein change: p.Thr2755Pro; replaces threonine 2755 with proline.
Molecular consequence: missense variant.
Genome position (GRCh38, 1-based): chrX:53,554,864, T>G on the plus strand (A>C on the coding strand, the complement: HUWE1 is on the minus strand). VCF-style: chrX-53554864-T-G. GRCh37 (hg19) VCF-style: chrX-53581825-T-G.
Other names: short protein forms T2755P.
Identifiers: ClinVar variation 2662842 (VCV002662842.1), dbSNP rs782629454, ClinGen allele CA10421807.
Genomic context (GRCh38, chrX:53,554,864, plus strand): 5'-GGAGTGTTGGTTGCTGTTGTGAGGATTGCAGAGTGCCAAGGGTCTCCTTGGACTCAGATG[T>G]AGCTGCATCAGTTGAAGATGGGGTTGTTGGGTAGCTGTCAGGCATAGGCGTCCCATCTTT-3'
Protein context (NP_113584.3, residues 2745-2765): PTTPSSTDAA[Thr2755Pro]SESKETLGTL

ClinVar aggregate classification (germline): Uncertain significance (1 of 4 stars; one submission).

gnomAD v4.1: 7 of 1,200,193 alleles (0.00058%); highest among the groups gnomAD compares: South Asian, 0.013%; no homozygotes.

Submission:

GeneDx
Classification: Uncertain significance. Last evaluated: 2023-10-15. Review status: criteria provided, single submitter. Criteria: GeneDx Variant Classification Process June 2021. Collection method: clinical testing. Allele origin: germline. Affected: yes.
Comment: Not observed at significant frequency in large population cohorts (gnomAD); In silico analysis supports that this missense variant does not alter protein structure/function; Has not been previously published as pathogenic or benign to our knowledge